The following is an entry in ClinVar:

NM_001853.4(COL9A3):c.2T>C (p.Met1Thr)

Gene: COL9A3 (collagen type IX alpha 3 chain; plus strand). Cytogenetic location: 20q13.33.
Variant type: single nucleotide variant.
Coding change: c.2T>C on transcript NM_001853.4 (MANE Select); coding-DNA position 2, T replaced by C.
Protein change: p.Met1Thr; changes the start codon (methionine 1).
Molecular consequence: missense variant, initiator codon variant.
Genome position (GRCh38, 1-based): chr20:62,817,066, T>C. VCF-style: chr20-62817066-T-C. GRCh37 (hg19) VCF-style: chr20-61448418-T-C.
Other names: short protein forms M1T.
Identifiers: ClinVar variation 4781954 (VCV004781954.2).

ClinVar aggregate classification (germline): Conflicting classifications of pathogenicity. Review status: criteria provided, conflicting classifications (1 of 4 stars). 2 submissions from 2 submitters: Likely pathogenic (1); Uncertain significance (1). Last evaluated 2025-05-30.

Conditions:
COL9A3-related disorders.

Submissions (2):

Labcorp Genetics (formerly Invitae), Labcorp
Classification: Uncertain significance. Last evaluated: 2025-05-30. Review status: criteria provided, single submitter. Criteria: Invitae Variant Classification Sherloc (09022015). Collection method: clinical testing. Allele origin: germline.
Comment: This sequence change affects the initiator codon of the COL9A3 mRNA. This change may impact translation initiation or efficiency. The next in-frame methionine is located at codon 188. This variant is not present in population databases (gnomAD no frequency). This variant has not been reported in the literature in individuals affected with COL9A3-related conditions. Experimental studies and prediction algorithms are not available or were not evaluated, and the functional significance of this variant is currently unknown. In summary, the available evidence is currently insufficient to determine the role of this variant in disease. Therefore, it has been classified as a Variant of Uncertain Significance.

Blueprint Genetics
Classification: Likely pathogenic for COL9A3-related disorders. Last evaluated: 2021-04-12. Review status: criteria provided, single submitter. Criteria: ACMG Guidelines, 2015. Collection method: clinical testing. Allele origin: germline. Affected: yes. Observed: 1 variant allele.